The following is an entry in ClinVar:

NM_170606.3(KMT2C):c.9448C>A (p.Pro3150Thr)

Gene: KMT2C (lysine methyltransferase 2C; minus strand). Cytogenetic location: 7q36.1.
Variant type: single nucleotide variant.
Coding change: c.9448C>A on transcript NM_170606.3 (MANE Select); coding-DNA position 9448, C replaced by A.
Protein change: p.Pro3150Thr; replaces proline 3150 with threonine.
Molecular consequence: missense variant.
Genome position (GRCh38, 1-based): chr7:152,171,269, G>T on the plus strand (C>A on the coding strand, the complement: KMT2C is on the minus strand). VCF-style: chr7-152171269-G-T. GRCh37 (hg19) VCF-style: chr7-151868354-G-T.
Other names: short protein forms P3150T.
Identifiers: ClinVar variation 4881259 (VCV004881259.2).

ClinVar aggregate classification (germline): Uncertain significance (1 of 4 stars; one submission).

gnomAD v4.1: 2 of 1,605,126 alleles (0.00012%); highest among the groups gnomAD compares: Admixed American, 0.0017%; no homozygotes.

Submission:

Dasa
Classification: Uncertain significance. Last evaluated: 2025-02-12. Review status: criteria provided, single submitter. Criteria: DASA Assertion Criteria. Collection method: clinical testing. Allele origin: germline.
Comment: NM_170606.3(KMT2C):c.9448C>A (p.Pro3150Thr) is a missense variant that results in the substitution of proline with threonine. This variant is rare in population databases. Computational prediction algorithms are consistent with a benign effect. The currently available literature and clinical evidence are not sufficient to establish a definitive association between this variant and the reported condition. Therefore, this variant is classified as a variant of uncertain significance.